The following is an entry in ClinVar:

ClinVar aggregate classification (germline): Uncertain significance. Review status: criteria provided, multiple submitters, no conflicts (2 of 4 stars). 2 submissions from 2 submitters: Uncertain significance (2). Last evaluated 2024-10-08.

Conditions:
Inborn genetic diseases. Identifiers: MedGen C0950123, MeSH D030342.

Allele frequency attached by ClinVar (database versions not stated): gnomAD exomes 0.00004; ExAC 0.00005; TOPMed 0.00012.
gnomAD v4.1: 35 of 1,613,386 alleles (0.0022%); highest among the groups gnomAD compares: African/African-American, 0.043%; no homozygotes.

Submissions (2):

Ambry Genetics
Classification: Uncertain significance for Inborn genetic diseases. Last evaluated: 2024-10-08. Review status: criteria provided, single submitter. Criteria: Ambry Variant Classification Scheme 2023. Collection method: clinical testing. Allele origin: germline.

Labcorp Genetics (formerly Invitae), Labcorp
Classification: Uncertain significance. Last evaluated: 2022-08-12. Review status: criteria provided, single submitter. Criteria: Invitae Variant Classification Sherloc (09022015). Collection method: clinical testing. Allele origin: germline.
Comment: This sequence change replaces isoleucine, which is neutral and non-polar, with valine, which is neutral and non-polar, at codon 316 of the EXOSC9 protein (p.Ile316Val). This variant is present in population databases (rs774243871, gnomAD 0.05%). This variant has not been reported in the literature in individuals affected with EXOSC9-related conditions. ClinVar contains an entry for this variant (Variation ID: 1420555). Algorithms developed to predict the effect of missense changes on protein structure and function (SIFT, PolyPhen-2, Align-GVGD) all suggest that this variant is likely to be tolerated. In summary, the available evidence is currently insufficient to determine the role of this variant in disease. Therefore, it has been classified as a Variant of Uncertain Significance.

NM_005033.3(EXOSC9):c.946A>G (p.Ile316Val)

Gene: EXOSC9 (exosome component 9; plus strand). Cytogenetic location: 4q27.
Variant type: single nucleotide variant.
Coding change: c.946A>G on transcript NM_005033.3 (MANE Select); coding-DNA position 946, A replaced by G.
Protein change: p.Ile316Val; replaces isoleucine 316 with valine.
Molecular consequence: missense variant.
Genome position (GRCh38, 1-based): chr4:121,813,352, A>G. VCF-style: chr4-121813352-A-G. GRCh37 (hg19) VCF-style: chr4-122734507-A-G.
Other names: c.946A>G, p.Ile316Val (NM_001034194.2); c.946A>G (NM_001034194.1); short protein forms I316V.
Identifiers: ClinVar variation 1420555 (VCV001420555.7), dbSNP rs774243871, ClinGen allele CA3063575.